The following is an entry in ClinVar:

NM_173354.5(SIK1):c.1256T>A (p.Phe419Tyr)

Gene: SIK1 (salt inducible kinase 1; minus strand). Cytogenetic location: 21q22.3.
Variant type: single nucleotide variant.
Coding change: c.1256T>A on transcript NM_173354.5 (MANE Select); coding-DNA position 1256, T replaced by A.
Protein change: p.Phe419Tyr; replaces phenylalanine 419 with tyrosine.
Molecular consequence: missense variant.
Genome position (GRCh38, 1-based): chr21:43,419,227, A>T on the plus strand (T>A on the coding strand, the complement: SIK1 is on the minus strand). VCF-style: chr21-43419227-A-T. GRCh37 (hg19) VCF-style: chr21-44839107-A-T.
Other names: short protein forms F419Y.
Identifiers: ClinVar variation 3954535 (VCV003954535.1).

ClinVar aggregate classification (germline): Uncertain significance (1 of 4 stars; one submission).

Conditions:
Inborn genetic diseases. Identifiers: MedGen C0950123, MeSH D030342.

Submission:

Ambry Genetics
Classification: Uncertain significance for Inborn genetic diseases. Last evaluated: 2025-04-11. Review status: criteria provided, single submitter. Criteria: Ambry Variant Classification Scheme 2023. Collection method: clinical testing. Allele origin: germline.
Comment: Does not currently meet published gene-disease clinical validity criteria Based on insufficient or conflicting evidence, the clinical significance of this alteration remains unclear.

Literature cited by the submitters: PubMed 28106320.